The following is an entry in ClinVar:

NM_001999.4(FBN2):c.3230G>A (p.Cys1077Tyr)

Gene: FBN2 (fibrillin 2; minus strand). Cytogenetic location: 5q23.3.
Variant type: single nucleotide variant.
Coding change: c.3230G>A on transcript NM_001999.4 (MANE Select); coding-DNA position 3230, G replaced by A.
Protein change: p.Cys1077Tyr; replaces cysteine 1077 with tyrosine.
Molecular consequence: missense variant.
Genome position (GRCh38, 1-based): chr5:128,344,498, C>T on the plus strand (G>A on the coding strand, the complement: FBN2 is on the minus strand). VCF-style: chr5-128344498-C-T. GRCh37 (hg19) VCF-style: chr5-127680190-C-T.
Other names: short protein forms C1077Y.
Identifiers: ClinVar variation 2583090 (VCV002583090.2), dbSNP rs2479287527, ClinGen allele CA360762284.
Genomic context (GRCh38, chr5:128,344,498, plus strand): 5'-TTGAAGCTTCCGATTGTATTTCTGCACTTCCCATAAGTGCACATCCCAGGAAATGCTTTG[C>T]ATTCATTGATGTCTAAAAGCAGAATGAAGCCAGAATGTAGAGCCGGTTGATATAAACGAT-3'
Protein context (NP_001990.2, residues 1067-1087): GRPFYKDINE[Cys1077Tyr]KAFPGMCTYG

ClinVar aggregate classification (germline): Pathogenic (0 of 4 stars; one submission).

Conditions:
Congenital contractural arachnodactyly (CCA). Also called: BEALS SYNDROME; Arthrogryposis, distal, type 9; Beals-Hecht syndrome. Identifiers: Orphanet 115, MedGen C0220668, MONDO:0007363, OMIM 121050.

Submission:

Liaoning Province Research Institute of Family Planning, China Medical University
Classification: Pathogenic for Congenital contractural arachnodactyly. Review status: no assertion criteria provided. Collection method: research. Allele origin: de novo. Inheritance: Autosomal dominant inheritance. Affected: yes. Observed: 4 variant alleles, 1 heterozygote, 1 compound heterozygote, 1 homozygote, 1 hemizygote.
Comment: All the patients in this family showed ordinary height (about 1.60-1.62 meters high of female; 1.7-1.75 meters high of male) and mild arachnodactyly phenotypes, but with no contractual of the elbows, hips and knees; no crumpled ears and curly hair .